The following is an entry in ClinVar:

ClinVar aggregate classification (germline): Conflicting classifications of pathogenicity. Review status: criteria provided, conflicting classifications (1 of 4 stars). 4 submissions from 4 submitters: Uncertain significance (1); Likely benign (3). Last evaluated 2026-06-01.

Conditions:
Hereditary cancer-predisposing syndrome. Also called: Hereditary neoplastic syndrome; Tumor predisposition; Neoplastic Syndromes, Hereditary; Hereditary Cancer Syndrome. Identifiers: Orphanet 140162, MedGen C0027672, MeSH D009386, MONDO:0015356.
Mitochondrial complex II deficiency, nuclear type 1. Also called: SUCCINATE CoQ REDUCTASE DEFICIENCY. Identifiers: Orphanet 3208, MedGen C5700310, MONDO:0100294, OMIM 252011.
Pheochromocytoma/paraganglioma syndrome 5. Also called: Paragangliomas 5; SDHA-Related Hereditary Paraganglioma-Pheochromocytoma Syndrome. Identifiers: Orphanet 29072, MedGen C3279992, MONDO:0013602, OMIM 614165.

Allele frequency attached by ClinVar (database versions not stated): gnomAD exomes 0.00001 and 0.00003; ExAC 0.00004; gnomAD 0.00007; TOPMed 0.00007; 1000 Genomes Project 30x 0.00016; 1000 Genomes Project 0.00020.
gnomAD v4.1: 22 of 1,613,838 alleles (0.0014%); highest among the groups gnomAD compares: African/African-American, 0.025%; no homozygotes.

Submissions (4):

CeGaT Center for Human Genetics Tuebingen
Classification: Uncertain significance. Last evaluated: 2026-06-01. Review status: criteria provided, single submitter. Criteria: CeGaT Center For Human Genetics Tuebingen Variant Classification Criteria Version 2. Collection method: clinical testing. Allele origin: germline. Affected: yes. Observed: 1 variant allele.
Comment: SDHA: PM2, BP4

Labcorp Genetics (formerly Invitae), Labcorp
Classification: Likely benign for Pheochromocytoma/paraganglioma syndrome 5; Mitochondrial complex II deficiency, nuclear type 1. Last evaluated: 2025-12-05. Review status: criteria provided, single submitter. Criteria: Invitae Variant Classification Sherloc (09022015). Collection method: clinical testing. Allele origin: germline.

Quest Diagnostics Nichols Institute San Juan Capistrano
Classification: Likely benign. Last evaluated: 2025-06-18. Review status: criteria provided, single submitter. Criteria: Quest Diagnostics criteria. Collection method: clinical testing. Allele origin: unknown.

Ambry Genetics
Classification: Likely benign for Hereditary cancer-predisposing syndrome. Last evaluated: 2019-05-03. Review status: criteria provided, single submitter. Criteria: Ambry Variant Classification Scheme 2023. Collection method: clinical testing. Allele origin: germline.

NM_004168.4(SDHA):c.1065-4C>A

Gene: SDHA (succinate dehydrogenase complex flavoprotein subunit A; plus strand). Cytogenetic location: 5p15.33.
Variant type: single nucleotide variant.
Coding change: c.1065-4C>A on transcript NM_004168.4 (MANE Select); 4 bases into the intron before coding-DNA position 1065, C replaced by A.
Molecular consequence: intron variant.
Genome position (GRCh38, 1-based): chr5:235,140, C>A. VCF-style: chr5-235140-C-A. GRCh37 (hg19) VCF-style: chr5-235255-C-A.
Other names: c.1065-4C>A (NM_001330758.2); c.921-4C>A (NM_001294332.2).
Identifiers: ClinVar variation 472299 (VCV000472299.19), dbSNP rs575007678, ClinGen allele CA3173107.